The following is an entry in ClinVar:

NM_000355.4(TCN2):c.953C>T (p.Pro318Leu)

Gene: TCN2 (transcobalamin 2; plus strand). Cytogenetic location: 22q12.2.
Variant type: single nucleotide variant.
Coding change: c.953C>T on transcript NM_000355.4 (MANE Select); coding-DNA position 953, C replaced by T.
Protein change: p.Pro318Leu; replaces proline 318 with leucine.
Molecular consequence: missense variant.
Genome position (GRCh38, 1-based): chr22:30,617,342, C>T. VCF-style: chr22-30617342-C-T. GRCh37 (hg19) VCF-style: chr22-31013329-C-T.
Other names: c.872C>T, p.Pro291Leu (NM_001184726.2); short protein forms P291L, P318L.
Identifiers: ClinVar variation 2132631 (VCV002132631.2), dbSNP rs1219369285, ClinGen allele CA411215099.

ClinVar aggregate classification (germline): Uncertain significance (1 of 4 stars; one submission).

Conditions:
Transcobalamin II deficiency (TCN2D). Also called: TC II DEFICIENCY; TCN2 DEFICIENCY; Transcolabamin II deficiency. Identifiers: Orphanet 859, MedGen C0342701, MONDO:0010149, OMIM 275350.

Allele frequency attached by ClinVar (database versions not stated): TOPMed below 0.00001; gnomAD exomes 0.00001.
gnomAD v4.1: 8 of 1,614,168 alleles (0.0005%); highest among the groups gnomAD compares: South Asian, 0.0066%; no homozygotes.

Submission:

Labcorp Genetics (formerly Invitae), Labcorp
Classification: Uncertain significance for Transcobalamin II deficiency. Last evaluated: 2024-12-16. Review status: criteria provided, single submitter. Criteria: Invitae Variant Classification Sherloc (09022015). Collection method: clinical testing. Allele origin: germline.
Comment: This sequence change replaces proline, which is neutral and non-polar, with leucine, which is neutral and non-polar, at codon 318 of the TCN2 protein (p.Pro318Leu). This variant is present in population databases (no rsID available, gnomAD 0.003%). This variant has not been reported in the literature in individuals affected with TCN2-related conditions. ClinVar contains an entry for this variant (Variation ID: 2132631). Invitae Evidence Modeling of protein sequence and biophysical properties (such as structural, functional, and spatial information, amino acid conservation, physicochemical variation, residue mobility, and thermodynamic stability) has been performed for this missense variant. However, the output from this modeling did not meet the statistical confidence thresholds required to predict the impact of this variant on TCN2 protein function. In summary, the available evidence is currently insufficient to determine the role of this variant in disease. Therefore, it has been classified as a Variant of Uncertain Significance.